The following is an entry in ClinVar:

NM_001330288.2(SMARCC2):c.2404G>T (p.Glu802Ter)

Gene: SMARCC2 (SWI/SNF related BAF chromatin remodeling complex subunit C2; minus strand). Cytogenetic location: 12q13.2.
Variant type: single nucleotide variant.
Coding change: c.2404G>T on transcript NM_001330288.2 (MANE Select); coding-DNA position 2404, G replaced by T.
Protein change: p.Glu802Ter; replaces glutamic acid 802 with a stop codon.
Molecular consequence: nonsense.
Genome position (GRCh38, 1-based): chr12:56,170,152, C>A on the plus strand (G>T on the coding strand, the complement: SMARCC2 is on the minus strand). VCF-style: chr12-56170152-C-A. GRCh37 (hg19) VCF-style: chr12-56563936-C-A.
Other names: c.2404G>T, p.Glu802Ter (NM_001130420.3, NM_139067.4); c.2311G>T, p.Glu771Ter (NM_003075.5); short protein forms E771*, E802*.
Identifiers: ClinVar variation 4281616 (VCV004281616.1).

ClinVar aggregate classification (germline): Likely pathogenic (1 of 4 stars; one submission).

Conditions:
Coffin-Siris syndrome 8. Identifiers: MedGen C5193054, MONDO:0032702, OMIM 618362.

Submission:

Institute of Medical Genetics and Applied Genomics, University Hospital Tübingen
Classification: Likely pathogenic for Coffin-Siris syndrome 8. Last evaluated: 2025-10-21. Review status: criteria provided, single submitter. Criteria: ACMG Guidelines, 2015. Collection method: clinical testing. Allele origin: germline. Inheritance: Autosomal dominant inheritance. Affected: yes.